The following is an entry in ClinVar:

NM_022336.4(EDAR):c.187G>A (p.Gly63Ser)

Genes: EDAR (ectodysplasin A receptor; minus strand), RANBP2 (RAN binding protein 2; plus strand). Cytogenetic location: 2q13.
Variant type: single nucleotide variant.
Coding change: c.187G>A on transcript NM_022336.4 (MANE Select); coding-DNA position 187, G replaced by A.
Protein change: p.Gly63Ser; replaces glycine 63 with serine.
Molecular consequence: missense variant.
Genome position (GRCh38, 1-based): chr2:108,929,367, C>T on the plus strand (G>A on the coding strand, the complement: EDAR is on the minus strand). VCF-style: chr2-108929367-C-T. GRCh37 (hg19) VCF-style: chr2-109545823-C-T.
Other names: short protein forms G63S.
Identifiers: ClinVar variation 532550 (VCV000532550.10), dbSNP rs764223500, ClinGen allele CA1825159.
Genomic context (GRCh38, chr2:108,929,367, plus strand): 5'-CTCCTTTGGAAAACTTCTCCGCCGGGCAGGGGACGCAGCCGTAGTCCTCGTCTTTGGTGC[C>T]GTAGCCACAGGACTGTCCAGGGAAAGAGGACAGGGGACACAGGTGAGTGCAGCAGCCAAA-3'
Protein context (NP_071731.1, residues 53-73): GEEPYLSCGY[Gly63Ser]TKDEDYGCVP

ClinVar aggregate classification (germline): Uncertain significance (1 of 4 stars; one submission).

Conditions:
Ectodermal dysplasia 10A, hypohidrotic/hair/nail type, autosomal dominant (ECTD10A). Also called: Ectodermal Dysplasia 3, Anhidrotic. Identifiers: Orphanet 1810, Orphanet 238468, MedGen C3888065, MONDO:0007509, OMIM 129490.
Autosomal recessive hypohidrotic ectodermal dysplasia syndrome. Also called: Autosomal recessive hypohidrotic ectodermal dysplasia. Identifiers: Orphanet 248, MedGen C0406702, MONDO:0016619.

Allele frequency attached by ClinVar (database versions not stated): ExAC 0.00001; gnomAD exomes 0.00002; TOPMed 0.00002.
gnomAD v4.1: 31 of 1,614,044 alleles (0.0019%); highest among the groups gnomAD compares: East Asian, 0.029%; no homozygotes.

Submission:

Labcorp Genetics (formerly Invitae), Labcorp
Classification: Uncertain significance for Ectodermal dysplasia 10A, hypohidrotic/hair/nail type, autosomal dominant; Autosomal recessive hypohidrotic ectodermal dysplasia syndrome. Last evaluated: 2020-08-03. Review status: criteria provided, single submitter. Criteria: Invitae Variant Classification Sherloc (09022015). Collection method: clinical testing. Allele origin: germline.
Comment: In summary, the available evidence is currently insufficient to determine the role of this variant in disease. Therefore, it has been classified as a Variant of Uncertain Significance. Algorithms developed to predict the effect of sequence changes on RNA splicing suggest that this variant may create or strengthen a splice site, but this prediction has not been confirmed by published transcriptional studies. Algorithms developed to predict the effect of missense changes on protein structure and function do not agree on the potential impact of this missense change (SIFT: "Deleterious"; PolyPhen-2: "Probably Damaging"; Align-GVGD: "Class C0"). This variant has not been reported in the literature in individuals with a EDAR-related disease. This variant is present in population databases (rs764223500, ExAC 0.01%). This sequence change replaces glycine with serine at codon 63 of the EDAR protein (p.Gly63Ser). The glycine residue is highly conserved and there is a small physicochemical difference between glycine and serine.